The following is an entry in ClinVar:

ClinVar aggregate classification (germline): Pathogenic (1 of 4 stars; one submission).

Conditions:
Hereditary cancer-predisposing syndrome. Also called: Neoplastic Syndromes, Hereditary; Tumor predisposition; Hereditary neoplastic syndrome; Hereditary Cancer Syndrome. Identifiers: Orphanet 140162, MedGen C0027672, MeSH D009386, MONDO:0015356.
Cardiovascular phenotype. Identifiers: MedGen CN230736.

Submission:

Ambry Genetics
Classification: Pathogenic for Cardiovascular phenotype; Hereditary cancer-predisposing syndrome. Last evaluated: 2023-08-31. Review status: criteria provided, single submitter. Criteria: Ambry Variant Classification Scheme 2023. Collection method: clinical testing. Allele origin: germline.
Comment: The c.5986_5987delAC pathogenic mutation, located in coding exon 40 of the NF1 gene, results from a deletion of two nucleotides at nucleotide positions 5986 to 5987, causing a translational frameshift with a predicted alternate stop codon (p.T1996Qfs*12). This variant is considered to be rare based on population cohorts in the Genome Aggregation Database (gnomAD). This alteration is expected to result in loss of function by premature protein truncation or nonsense-mediated mRNA decay. As such, this alteration is interpreted as a disease-causing mutation.

NM_001042492.3(NF1):c.6049_6050del (p.Thr2017fs)

Gene: NF1 (neurofibromin 1; plus strand). Cytogenetic location: 17q11.2.
Variant type: Deletion.
Coding change: c.6049_6050del on transcript NM_001042492.3 (MANE Select); coding-DNA positions 6049 to 6050, 2 bases deleted (AC; older notation c.6049_6050delAC).
Protein change: p.Thr2017fs; shifts the reading frame from threonine 2017.
Molecular consequence: frameshift variant.
Genome position (GRCh38, 1-based): chr17:31,336,375-31,336,376, AC deleted. VCF-style (leftmost placement, unchanged base first): chr17-31336374-AAC-A. GRCh37 (hg19) VCF-style: chr17-29663392-AAC-A.
Other names: c.5986_5987delAC (NM_000267.3); c.5986_5987delAC, p.Thr1996Glnfs (NM_000267.4); short protein forms T1996fs, T2017fs.
Identifiers: ClinVar variation 3237854 (VCV003237854.1), dbSNP rs2508744797.
Genomic context (GRCh38, chr17:31,336,374, plus strand): 5'-ATTTTCCTTCTTCAACTAGATTACAGATCTGCTTGATGTTGTACTAGACAGTTTCATCAA[AAC>A]CAGTGCAACAGGTGGCTTGGGATCAATAAAAGCTGAGGTGATGGCAGATACTGCTGTAGC-3'